The following is an entry in ClinVar:

NM_004004.6(GJB2):c.428G>T (p.Arg143Leu)

Gene: GJB2 (gap junction protein beta 2; minus strand). Cytogenetic location: 13q12.11.
Variant type: single nucleotide variant.
Coding change: c.428G>T on transcript NM_004004.6 (MANE Select); coding-DNA position 428, G replaced by T.
Protein change: p.Arg143Leu; replaces arginine 143 with leucine.
Molecular consequence: missense variant.
Genome position (GRCh38, 1-based): chr13:20,189,154, C>A on the plus strand (G>T on the coding strand, the complement: GJB2 is on the minus strand). VCF-style: chr13-20189154-C-A. GRCh37 (hg19) VCF-style: chr13-20763293-C-A.
Other names: short protein forms R143L.
Identifiers: ClinVar variation 3902339 (VCV003902339.1).

ClinVar aggregate classification (germline): Likely pathogenic (1 of 4 stars; one submission).

Conditions:
Nonsyndromic genetic hearing loss. Also called: Nonsyndromic hearing loss and deafness; Non-syndromic genetic deafness; Nonsyndromic genetic deafness. Identifiers: Orphanet 87884, MedGen C5680182, MONDO:0019497.

Submission:

Women's Health and Genetics/Laboratory Corporation of America, LabCorp
Classification: Likely pathogenic for Nonsyndromic genetic hearing loss. Last evaluated: 2025-05-09. Review status: criteria provided, single submitter. Criteria: LabCorp Variant Classification Summary - May 2015. Collection method: clinical testing. Allele origin: germline.
Comment: Variant summary: GJB2 c.428G>T (p.Arg143Leu) results in a non-conservative amino acid change in the encoded protein sequence. Algorithms developed to predict the effect of missense changes on protein structure and function all suggest that this variant is likely to be disruptive. The variant was absent in 250932 control chromosomes (gnomAD). c.428G>T has been observed in individuals affected with Non-Syndromic Hearing Loss (Put. These data indicate that the variant may be associated with disease. Other variants affecting the same codon has been classified as pathogenic by our lab (c.427C>T/p.Arg143Trp, c.428G>A/p.Arg143Gln), supporting the critical relevance of codon 143 to GJB2 protein function. To our knowledge, no experimental evidence demonstrating an impact on protein function has been reported. The following publication has been ascertained in the context of this evaluation (PMID: 17666888). No submitters have cited clinical-significance assessments for this variant to ClinVar. Based on the evidence outlined above, the variant was classified as likely pathogenic.

Literature cited by the submitters: PubMed 17666888.